The following is an entry in ClinVar:

NM_000440.3(PDE6A):c.1602A>T (p.Lys534Asn)

Gene: PDE6A (phosphodiesterase 6A; minus strand). Cytogenetic location: 5q32.
Variant type: single nucleotide variant.
Coding change: c.1602A>T on transcript NM_000440.3 (MANE Select); coding-DNA position 1602, A replaced by T.
Protein change: p.Lys534Asn; replaces lysine 534 with asparagine.
Molecular consequence: missense variant.
Genome position (GRCh38, 1-based): chr5:149,896,374, T>A on the plus strand (A>T on the coding strand, the complement: PDE6A is on the minus strand). VCF-style: chr5-149896374-T-A. GRCh37 (hg19) VCF-style: chr5-149275937-T-A.
Other names: short protein forms K534N.
Identifiers: ClinVar variation 1478378 (VCV001478378.5), dbSNP rs1352884400, ClinGen allele CA361695314.

ClinVar aggregate classification (germline): Uncertain significance (1 of 4 stars; one submission).

Allele frequency attached by ClinVar (database versions not stated): gnomAD exomes 0.00001 and 0.00003.

Submission:

Labcorp Genetics (formerly Invitae), Labcorp
Classification: Uncertain significance. Last evaluated: 2022-11-22. Review status: criteria provided, single submitter. Criteria: Invitae Variant Classification Sherloc (09022015). Collection method: clinical testing. Allele origin: germline.
Comment: In summary, the available evidence is currently insufficient to determine the role of this variant in disease. Therefore, it has been classified as a Variant of Uncertain Significance. Advanced modeling of protein sequence and biophysical properties (such as structural, functional, and spatial information, amino acid conservation, physicochemical variation, residue mobility, and thermodynamic stability) performed at Invitae indicates that this missense variant is not expected to disrupt PDE6A protein function. ClinVar contains an entry for this variant (Variation ID: 1478378). This variant has not been reported in the literature in individuals affected with PDE6A-related conditions. This variant is present in population databases (no rsID available, gnomAD 0.02%). This sequence change replaces lysine, which is basic and polar, with asparagine, which is neutral and polar, at codon 534 of the PDE6A protein (p.Lys534Asn).